The following is an entry in ClinVar:

NM_001329943.3(KIAA0586):c.4495+3779A>T

Gene: KIAA0586 (KIAA0586; plus strand). Cytogenetic location: 14q23.1.
Variant type: single nucleotide variant.
Coding change: c.4495+3779A>T on transcript NM_001329943.3 (MANE Select); 3779 bases into the intron after coding-DNA position 4495, A replaced by T.
Molecular consequence: intron variant. On other transcripts: missense variant (2).
Genome position (GRCh38, 1-based): chr14:58,543,915, A>T. VCF-style: chr14-58543915-A-T. GRCh37 (hg19) VCF-style: chr14-59010633-A-T.
Other names: c.4687A>T, p.Ile1563Leu (NM_001244189.2); c.4528A>T, p.Ile1510Leu (NM_001329944.2); c.4450+3779A>T (NM_001244190.2); c.4363+3779A>T (NM_001244192.2, NM_001329947.2); c.4240+3779A>T (NM_001244191.2, NM_001364701.2); c.4430-3866A>T (NM_001329946.2); c.4267+3779A>T (NM_014749.5); c.4175-3866A>T (NM_001329945.2); short protein forms I1563L, I1510L.
Identifiers: ClinVar variation 807119 (VCV000807119.46), dbSNP rs968172462, ClinGen allele CA262037730.

ClinVar aggregate classification (germline): Uncertain significance. Review status: criteria provided, multiple submitters, no conflicts (2 of 4 stars). 2 submissions from 2 submitters: Uncertain significance (2). Last evaluated 2022-11-01.

Conditions:
Joubert syndrome 23 (JBTS23). Identifiers: Orphanet 475, MedGen C4084822, MONDO:0014664, OMIM 616490.
Short-rib thoracic dysplasia 14 with polydactyly (SRTD14). Identifiers: Orphanet 397715, MedGen C4225286, MONDO:0014688, OMIM 616546.

Allele frequency attached by ClinVar (database versions not stated): TOPMed below 0.00001.

Submissions (2):

Labcorp Genetics (formerly Invitae), Labcorp
Classification: Uncertain significance for Joubert syndrome 23; Short-rib thoracic dysplasia 14 with polydactyly. Last evaluated: 2022-11-01. Review status: criteria provided, single submitter. Criteria: Invitae Variant Classification Sherloc (09022015). Collection method: clinical testing. Allele origin: germline.
Comment: This sequence change replaces isoleucine, which is neutral and non-polar, with leucine, which is neutral and non-polar, at codon 1563 of the KIAA0586 protein (p.Ile1563Leu). In summary, the available evidence is currently insufficient to determine the role of this variant in disease. Therefore, it has been classified as a Variant of Uncertain Significance. Algorithms developed to predict the effect of missense changes on protein structure and function are either unavailable or do not agree on the potential impact of this missense change (SIFT: "Deleterious"; PolyPhen-2: "Benign"; Align-GVGD: "Class C0"). ClinVar contains an entry for this variant (Variation ID: 807119). This variant has not been reported in the literature in individuals affected with KIAA0586-related conditions. This variant is not present in population databases (gnomAD no frequency).

CeGaT Center for Human Genetics Tuebingen
Classification: Uncertain significance. Last evaluated: 2017-08-01. Review status: criteria provided, single submitter. Criteria: CeGaT Center For Human Genetics Tuebingen Variant Classification Criteria Version 2. Collection method: clinical testing. Allele origin: germline. Affected: yes. Observed: 1 variant allele.